The following is an entry in ClinVar:

NM_004370.6(COL12A1):c.3782G>A (p.Ser1261Asn)

Gene: COL12A1 (collagen type XII alpha 1 chain; minus strand). Cytogenetic location: 6q13.
Variant type: single nucleotide variant.
Coding change: c.3782G>A on transcript NM_004370.6 (MANE Select); coding-DNA position 3782, G replaced by A.
Protein change: p.Ser1261Asn; replaces serine 1261 with asparagine.
Molecular consequence: missense variant.
Genome position (GRCh38, 1-based): chr6:75,152,184, C>T on the plus strand (G>A on the coding strand, the complement: COL12A1 is on the minus strand). VCF-style: chr6-75152184-C-T. GRCh37 (hg19) VCF-style: chr6-75861900-C-T.
Other names: p.Ser1261Asn; c.290G>A, p.Ser97Asn (NM_080645.3); short protein forms S1261N, S97N.
Identifiers: ClinVar variation 573037 (VCV000573037.60), dbSNP rs370339027, ClinGen allele CA3893621.

ClinVar aggregate classification (germline): Conflicting classifications of pathogenicity. Review status: criteria provided, conflicting classifications (1 of 4 stars). 6 submissions from 6 submitters: Uncertain significance (4); Benign (1); Likely benign (1). Last evaluated 2026-01-14.

Conditions:
Inborn genetic diseases. Identifiers: MedGen C0950123, MeSH D030342.
Ullrich congenital muscular dystrophy 2 (UCMD2). Identifiers: Orphanet 75840, MedGen C4225314, MONDO:0014654, OMIM 616470.
Bethlem myopathy 2 (BTHLM2). Identifiers: Orphanet 536516, Orphanet 610, MedGen C4225313, MONDO:0034022, OMIM 616471.

Allele frequency attached by ClinVar (database versions not stated): gnomAD exomes 0.00001 and 0.00003; ExAC 0.00004; gnomAD 0.00004; TOPMed 0.00008.
gnomAD v4.1: 63 of 1,613,816 alleles (0.0039%); highest among the groups gnomAD compares: East Asian, 0.038%; 1 homozygote.

Submissions (6):

Women's Health and Genetics/Laboratory Corporation of America, LabCorp
Classification: Uncertain significance. Last evaluated: 2026-01-14. Review status: criteria provided, single submitter. Criteria: LabCorp Variant Classification Summary - May 2015. Collection method: clinical testing. Allele origin: germline.
Comment: Variant summary: COL12A1 c.3782G>A (p.Ser1261Asn) results in a conservative amino acid change in the encoded protein sequence. Algorithms developed to predict the effect of missense changes on protein structure and function all suggest that this variant is likely to be tolerated. The variant allele was found at a frequency of 2.8e-05 in 248858 control chromosomes. The available data on variant occurrences in the general population are insufficient to allow any conclusion about variant significance. To our knowledge, no occurrence of c.3782G>A in individuals affected with COL12A1-related conditions and no experimental evidence demonstrating its impact on protein function have been reported. ClinVar contains an entry for this variant (Variation ID: 573037). Based on the evidence outlined above, the variant was classified as uncertain significance.

Labcorp Genetics (formerly Invitae), Labcorp
Classification: Benign for Bethlem myopathy 2; Ullrich congenital muscular dystrophy 2. Last evaluated: 2026-01-11. Review status: criteria provided, single submitter. Criteria: Invitae Variant Classification Sherloc (09022015). Collection method: clinical testing. Allele origin: germline.

Ambry Genetics
Classification: Uncertain significance for Inborn genetic diseases. Last evaluated: 2025-09-01. Review status: criteria provided, single submitter. Criteria: Ambry Variant Classification Scheme 2023. Collection method: clinical testing. Allele origin: germline.

Revvity Omics, Revvity
Classification: Likely benign. Last evaluated: 2023-12-15. Review status: criteria provided, single submitter. Criteria: ACMG Guidelines, 2015. Collection method: clinical testing. Allele origin: germline.

Mayo Clinic Laboratories, Mayo Clinic
Classification: Uncertain significance. Last evaluated: 2022-03-25. Review status: criteria provided, single submitter. Criteria: ACMG Guidelines, 2015. Collection method: clinical testing. Allele origin: germline. Observed: 1 variant allele.

CeGaT Center for Human Genetics Tuebingen
Classification: Uncertain significance. Last evaluated: 2020-10-01. Review status: criteria provided, single submitter. Criteria: CeGaT Center For Human Genetics Tuebingen Variant Classification Criteria Version 2. Collection method: clinical testing. Allele origin: germline. Affected: yes. Observed: 1 variant allele.